The following is an entry in ClinVar:

ClinVar aggregate classification (germline): Uncertain significance (1 of 4 stars; one submission).

Submission:

Labcorp Genetics (formerly Invitae), Labcorp
Classification: Uncertain significance. Last evaluated: 2024-11-27. Review status: criteria provided, single submitter. Criteria: Invitae Variant Classification Sherloc (09022015). Collection method: clinical testing. Allele origin: germline.
Comment: This sequence change replaces glycine, which is neutral and non-polar, with cysteine, which is neutral and slightly polar, at codon 437 of the COL11A1 protein (p.Gly437Cys). This variant is not present in population databases (gnomAD no frequency). This missense change has been observed in individual(s) with Stickler syndrome (PMID: 37079061). An algorithm developed to predict the effect of missense changes on protein structure and function (PolyPhen-2) suggests that this variant is likely to be disruptive. Algorithms developed to predict the effect of sequence changes on RNA splicing suggest that this variant may disrupt the consensus splice site. In summary, the available evidence is currently insufficient to determine the role of this variant in disease. Therefore, it has been classified as a Variant of Uncertain Significance.

Literature cited by the submitters: PubMed 37079061.

NM_001854.4(COL11A1):c.1309G>T (p.Gly437Cys)

Gene: COL11A1 (collagen type XI alpha 1 chain; minus strand). Cytogenetic location: 1p21.1.
Variant type: single nucleotide variant.
Coding change: c.1309G>T on transcript NM_001854.4 (MANE Select); coding-DNA position 1309, G replaced by T.
Protein change: p.Gly437Cys; replaces glycine 437 with cysteine.
Molecular consequence: missense variant. On other transcripts: non-coding transcript variant (1).
Genome position (GRCh38, 1-based): chr1:103,018,859, C>A on the plus strand (G>T on the coding strand, the complement: COL11A1 is on the minus strand). VCF-style: chr1-103018859-C-A. GRCh37 (hg19) VCF-style: chr1-103484415-C-A.
Other names: c.1192G>T, p.Gly398Cys (NM_001190709.2); c.1345G>T, p.Gly449Cys (NM_080629.3); c.961G>T, p.Gly321Cys (NM_080630.4); short protein forms G321C, G398C, G437C, G449C.
Identifiers: ClinVar variation 3628552 (VCV003628552.2).